The following is an entry in ClinVar:

NM_005732.4(RAD50):c.756+2T>G

Gene: RAD50 (RAD50 double strand break repair protein; plus strand). Cytogenetic location: 5q31.1.
Variant type: single nucleotide variant.
Coding change: c.756+2T>G on transcript NM_005732.4 (MANE Select); the canonical splice donor site of the intron after coding-DNA position 756, T replaced by G.
Molecular consequence: splice donor variant.
Genome position (GRCh38, 1-based): chr5:132,580,068, T>G. VCF-style: chr5-132580068-T-G. GRCh37 (hg19) VCF-style: chr5-131915760-T-G.
Identifiers: ClinVar variation 856100 (VCV000856100.10), dbSNP rs764122619, ClinGen allele CA360937542.

ClinVar aggregate classification (germline): Pathogenic/Likely pathogenic. Review status: criteria provided, multiple submitters, no conflicts (2 of 4 stars). 2 submissions from 2 submitters: Pathogenic (1); Likely pathogenic (1). Last evaluated 2023-10-05.

Conditions:
Hereditary cancer-predisposing syndrome. Also called: Tumor predisposition; Hereditary neoplastic syndrome; Neoplastic Syndromes, Hereditary; Hereditary Cancer Syndrome. Identifiers: Orphanet 140162, MedGen C0027672, MeSH D009386, MONDO:0015356.

Submissions (2):

Labcorp Genetics (formerly Invitae), Labcorp
Classification: Pathogenic for Hereditary cancer-predisposing syndrome. Last evaluated: 2023-10-05. Review status: criteria provided, single submitter. Criteria: Invitae Variant Classification Sherloc (09022015). Collection method: clinical testing. Allele origin: germline.
Comment: This sequence change affects a donor splice site in intron 5 of the RAD50 gene. RNA analysis indicates that disruption of this splice site induces altered splicing and may result in an absent or disrupted protein product. This variant is not present in population databases (gnomAD no frequency). This variant has not been reported in the literature in individuals affected with RAD50-related conditions. ClinVar contains an entry for this variant (Variation ID: 856100). Studies have shown that disruption of this splice site results in skipping of exon 5 and introduces a premature termination codon (Invitae). The resulting mRNA is expected to undergo nonsense-mediated decay. For these reasons, this variant has been classified as Pathogenic.

Ambry Genetics
Classification: Likely pathogenic for Hereditary cancer-predisposing syndrome. Last evaluated: 2020-07-21. Review status: criteria provided, single submitter. Criteria: Ambry Variant Classification Scheme 2023. Collection method: clinical testing. Allele origin: germline.
Comment: The c.756+2T>G intronic variant results from a T to G substitution two nucleotides after coding exon 5 in the RAD50 gene. This nucleotide position is highly conserved in available vertebrate species. In silico splice site analysis predicts that this alteration will weaken the native splice donor site. Alterations that disrupt the canonical splice site are expected to cause aberrant splicing, resulting in an abnormal protein or a transcript that is subject to nonsense-mediated mRNA decay. As such, this alteration is classified as likely pathogenic.